The following is an entry in ClinVar:

ClinVar aggregate classification (germline): Pathogenic (1 of 4 stars; one submission).

Submission:

Labcorp Genetics (formerly Invitae), Labcorp
Classification: Pathogenic. Last evaluated: 2023-05-29. Review status: criteria provided, single submitter. Criteria: Invitae Variant Classification Sherloc (09022015). Collection method: clinical testing. Allele origin: germline.
Comment: This variant is not present in population databases (gnomAD no frequency). This variant has not been reported in the literature in individuals affected with ABCA3-related conditions. For these reasons, this variant has been classified as Pathogenic. This sequence change creates a premature translational stop signal (p.Trp468*) in the ABCA3 gene. It is expected to result in an absent or disrupted protein product. Loss-of-function variants in ABCA3 are known to be pathogenic (PMID: 27516224).

Literature cited by the submitters: PubMed 27516224.

NM_001089.3(ABCA3):c.1403G>A (p.Trp468Ter)

Gene: ABCA3 (ATP binding cassette subfamily A member 3; minus strand). Cytogenetic location: 16p13.3.
Variant type: single nucleotide variant.
Coding change: c.1403G>A on transcript NM_001089.3 (MANE Select); coding-DNA position 1403, G replaced by A.
Protein change: p.Trp468Ter; replaces tryptophan 468 with a stop codon.
Molecular consequence: nonsense.
Genome position (GRCh38, 1-based): chr16:2,304,033, C>T on the plus strand (G>A on the coding strand, the complement: ABCA3 is on the minus strand). VCF-style: chr16-2304033-C-T. GRCh37 (hg19) VCF-style: chr16-2354034-C-T.
Other names: short protein forms W468*.
Identifiers: ClinVar variation 2746346 (VCV002746346.3), dbSNP rs2505649979, ClinGen allele CA394337391.